The following is an entry in ClinVar:

NM_019074.4(DLL4):c.1594G>A (p.Val532Ile)

Gene: DLL4 (delta like canonical Notch ligand 4; plus strand). Cytogenetic location: 15q15.1.
Variant type: single nucleotide variant.
Coding change: c.1594G>A on transcript NM_019074.4 (MANE Select); coding-DNA position 1594, G replaced by A.
Protein change: p.Val532Ile; replaces valine 532 with isoleucine.
Molecular consequence: missense variant.
Genome position (GRCh38, 1-based): chr15:40,936,581, G>A. VCF-style: chr15-40936581-G-A. GRCh37 (hg19) VCF-style: chr15-41228779-G-A.
Other names: short protein forms V532I.
Identifiers: ClinVar variation 3718835 (VCV003718835.2).

ClinVar aggregate classification (germline): Uncertain significance (1 of 4 stars; one submission).

gnomAD v4.1: 41 of 1,608,652 alleles (0.0025%); highest among the groups gnomAD compares: South Asian, 0.0033%; no homozygotes.

Submission:

Labcorp Genetics (formerly Invitae), Labcorp
Classification: Uncertain significance. Last evaluated: 2024-09-03. Review status: criteria provided, single submitter. Criteria: Invitae Variant Classification Sherloc (09022015). Collection method: clinical testing. Allele origin: germline.
Comment: This sequence change replaces valine, which is neutral and non-polar, with isoleucine, which is neutral and non-polar, at codon 532 of the DLL4 protein (p.Val532Ile). This variant is present in population databases (rs777516760, gnomAD 0.009%). This variant has not been reported in the literature in individuals affected with DLL4-related conditions. Invitae Evidence Modeling of protein sequence and biophysical properties (such as structural, functional, and spatial information, amino acid conservation, physicochemical variation, residue mobility, and thermodynamic stability) indicates that this missense variant is not expected to disrupt DLL4 protein function with a negative predictive value of 80%. In summary, the available evidence is currently insufficient to determine the role of this variant in disease. Therefore, it has been classified as a Variant of Uncertain Significance.